The following is an entry in ClinVar:

NM_012267.5(HSPBP1):c.240G>A (p.Ser80=)

Gene: HSPBP1 (HSPA (Hsp70) binding protein 1; minus strand). Cytogenetic location: 19q13.42.
Variant type: single nucleotide variant.
Coding change: c.240G>A on transcript NM_012267.5 (MANE Select); coding-DNA position 240, G replaced by A.
Protein change: p.Ser80=; no amino-acid change (serine 80 retained).
Molecular consequence: synonymous variant.
Genome position (GRCh38, 1-based): chr19:55,277,817, C>T on the plus strand (G>A on the coding strand, the complement: HSPBP1 is on the minus strand). VCF-style: chr19-55277817-C-T. GRCh37 (hg19) VCF-style: chr19-55789185-C-T.
Other names: c.240G>A, p.Ser80= (NM_001130106.2); c.378G>A, p.Ser126= (NM_001297600.2).
Identifiers: ClinVar variation 2650517 (VCV002650517.24), dbSNP rs572720723, ClinGen allele CA9671924.

ClinVar aggregate classification (germline): Likely benign (1 of 4 stars; one submission).

Allele frequency attached by ClinVar (database versions not stated): TOPMed 0.00007; gnomAD 0.00023; 1000 Genomes Project 30x 0.00094; 1000 Genomes Project 0.00120; ExAC 0.00127.
gnomAD v4.1: 696 of 1,586,604 alleles (0.044%); highest among the groups gnomAD compares: South Asian, 0.69%; 6 homozygotes.

Submission:

CeGaT Center for Human Genetics Tuebingen
Classification: Likely benign. Last evaluated: 2022-09-01. Review status: criteria provided, single submitter. Criteria: CeGaT Center For Human Genetics Tuebingen Variant Classification Criteria Version 2. Collection method: clinical testing. Allele origin: germline. Affected: yes. Observed: 1 variant allele.
Comment: HSPBP1: BP4, BP7